The following is an entry in ClinVar:

NM_012281.3(KCND2):c.974G>A (p.Gly325Asp)

Gene: KCND2 (potassium voltage-gated channel subfamily D member 2; plus strand). Cytogenetic location: 7q31.31.
Variant type: single nucleotide variant.
Coding change: c.974G>A on transcript NM_012281.3 (MANE Select); coding-DNA position 974, G replaced by A.
Protein change: p.Gly325Asp; replaces glycine 325 with aspartic acid.
Molecular consequence: missense variant.
Genome position (GRCh38, 1-based): chr7:120,275,606, G>A. VCF-style: chr7-120275606-G-A. GRCh37 (hg19) VCF-style: chr7-119915660-G-A.
Other names: short protein forms G325D.
Identifiers: ClinVar variation 3650325 (VCV003650325.2).

ClinVar aggregate classification (germline): Uncertain significance (1 of 4 stars; one submission).

Conditions:
Early Myoclonic Encephalopathy. Identifiers: MedGen C0270855.

Submission:

Labcorp Genetics (formerly Invitae), Labcorp
Classification: Uncertain significance for Early Myoclonic Encephalopathy. Last evaluated: 2024-04-18. Review status: criteria provided, single submitter. Criteria: Invitae Variant Classification Sherloc (09022015). Collection method: clinical testing. Allele origin: germline.
Comment: This sequence change replaces glycine, which is neutral and non-polar, with aspartic acid, which is acidic and polar, at codon 325 of the KCND2 protein (p.Gly325Asp). This variant is not present in population databases (gnomAD no frequency). This variant has not been reported in the literature in individuals affected with KCND2-related conditions. Advanced modeling of protein sequence and biophysical properties (such as structural, functional, and spatial information, amino acid conservation, physicochemical variation, residue mobility, and thermodynamic stability) has been performed at Invitae for this missense variant, however the output from this modeling did not meet the statistical confidence thresholds required to predict the impact of this variant on KCND2 protein function. In summary, the available evidence is currently insufficient to determine the role of this variant in disease. Therefore, it has been classified as a Variant of Uncertain Significance.